The following is an entry in ClinVar:

NM_001079843.3(CASZ1):c.5127CGA[5] (p.Asp1712_Glu1713insAsp)

Gene: CASZ1 (castor zinc finger 1; minus strand). Cytogenetic location: 1p36.22.
Variant type: Microsatellite.
Coding change: c.5127CGA[5] on transcript NM_001079843.3 (MANE Select); five copies in a row of the 3-base unit CGA starting at c.5127; the reference has four copies in a row; one copy, 3 bases duplicated.
Protein change: p.Asp1712_Glu1713insAsp.
Molecular consequence: inframe insertion.
Genome position (GRCh38, 1-based): chr1:10,639,084-10,639,086, TCG duplicated on the plus strand (CGA on the coding strand, the reverse complement: CASZ1 is on the minus strand); duplicating any 3 consecutive bases within chr1:10,639,084-10,639,097 gives the same sequence; the position shown is the placement nearest the transcript's 3' end. VCF-style (leftmost placement, unchanged base first): chr1-10639083-C-CTCG. GRCh37 (hg19) VCF-style: chr1-10699140-C-CTCG.
Identifiers: ClinVar variation 1983227 (VCV001983227.4), dbSNP rs201089181, ClinGen allele CA584063.

ClinVar aggregate classification (germline): Uncertain significance (1 of 4 stars; one submission).

Submission:

Labcorp Genetics (formerly Invitae), Labcorp
Classification: Uncertain significance. Last evaluated: 2022-07-02. Review status: criteria provided, single submitter. Criteria: Invitae Variant Classification Sherloc (09022015). Collection method: clinical testing. Allele origin: germline.
Comment: In summary, the available evidence is currently insufficient to determine the role of this variant in disease. Therefore, it has been classified as a Variant of Uncertain Significance. This variant has not been reported in the literature in individuals affected with CASZ1-related conditions. The frequency data for this variant in the population databases is considered unreliable, as metrics indicate poor data quality at this position in the gnomAD database. This variant, c.5136_5138dup, results in the insertion of 1 amino acid(s) of the CASZ1 protein (p.Asp1712dup), but otherwise preserves the integrity of the reading frame.